The following is an entry in ClinVar:

NM_033004.4(NLRP1):c.3691G>A (p.Val1231Ile)

Gene: NLRP1 (NLR family pyrin domain containing 1; minus strand). Cytogenetic location: 17p13.2.
Variant type: single nucleotide variant.
Coding change: c.3691G>A on transcript NM_033004.4 (MANE Select); coding-DNA position 3691, G replaced by A.
Protein change: p.Val1231Ile; replaces valine 1231 with isoleucine.
Molecular consequence: missense variant.
Genome position (GRCh38, 1-based): chr17:5,521,616, C>T on the plus strand (G>A on the coding strand, the complement: NLRP1 is on the minus strand). VCF-style: chr17-5521616-C-T. GRCh37 (hg19) VCF-style: chr17-5424936-C-T.
Other names: p.Val1231Ile; c.3703G>A, p.Val1235Ile (NM_001033053.3); c.3691G>A, p.Val1231Ile (NM_014922.5); c.3601G>A, p.Val1201Ile (NM_033006.4, NM_033007.4); short protein forms V1201I, V1235I, V1231I.
Identifiers: ClinVar variation 789088 (VCV000789088.15), dbSNP rs114529583, ClinGen allele CA8326766.

ClinVar aggregate classification (germline): Benign/Likely benign. Review status: criteria provided, multiple submitters, no conflicts (2 of 4 stars). 5 submissions from 5 submitters: Benign (3); Likely benign (2). Last evaluated 2026-02-01.

Allele frequency attached by ClinVar (database versions not stated): gnomAD exomes 0.00244 and 0.00434; ExAC 0.00391; 1000 Genomes Project 0.00759; 1000 Genomes Project 30x 0.00906; gnomAD 0.00916 and 0.00980; ESP Exome Variant Server 0.00961; TOPMed 0.01083.
gnomAD v4.1: 5,164 of 1,614,070 alleles (0.32%); highest among the groups gnomAD compares: African/African-American, 2.2%; 52 homozygotes.

Submissions (5):

Labcorp Genetics (formerly Invitae), Labcorp
Classification: Benign. Last evaluated: 2026-02-01. Review status: criteria provided, single submitter. Criteria: Invitae Variant Classification Sherloc (09022015). Collection method: clinical testing. Allele origin: germline.

Women's Health and Genetics/Laboratory Corporation of America, LabCorp
Classification: Likely benign. Last evaluated: 2026-01-22. Review status: criteria provided, single submitter. Criteria: LabCorp Variant Classification Summary - May 2015. Collection method: clinical testing. Allele origin: germline.

Blueprint Genetics
Classification: Likely benign. Last evaluated: 2024-11-15. Review status: criteria provided, single submitter. Criteria: ACMG Guidelines, 2015. Collection method: clinical testing. Allele origin: germline.

Mayo Clinic Laboratories, Mayo Clinic
Classification: Benign. Last evaluated: 2024-04-03. Review status: criteria provided, single submitter. Criteria: ACMG Guidelines, 2015. Collection method: clinical testing. Allele origin: germline. Observed: 9 variant alleles.
Comment: BS1, BS2, BP4

Breakthrough Genomics
Classification: Benign. Review status: criteria provided, single submitter. Criteria: ACMG Guidelines, 2015. Collection method: not provided. Allele origin: germline. Inheritance: Autosomal recessive inheritance. Affected: yes.